The following is an entry in ClinVar:

NM_000478.6(ALPL):c.1277G>A (p.Gly426Asp)

Gene: ALPL (alkaline phosphatase, biomineralization associated; plus strand). Cytogenetic location: 1p36.12.
Variant type: single nucleotide variant.
Coding change: c.1277G>A on transcript NM_000478.6 (MANE Select); coding-DNA position 1277, G replaced by A.
Protein change: p.Gly426Asp; replaces glycine 426 with aspartic acid.
Molecular consequence: missense variant.
Genome position (GRCh38, 1-based): chr1:21,576,609, G>A. VCF-style: chr1-21576609-G-A. GRCh37 (hg19) VCF-style: chr1-21903102-G-A.
Other names: c.1112G>A, p.Gly371Asp (NM_001127501.4); c.1046G>A, p.Gly349Asp (NM_001177520.3); c.1277G>A, p.Gly426Asp (NM_001369803.2, NM_001369804.2, NM_001369805.2); c.1277G>A (NM_000478.4, NM_000478.5); short protein forms G349D, G371D, G426D.
Identifiers: ClinVar variation 2676588 (VCV002676588.8), dbSNP rs2545347584, ClinGen allele CA338881839.

ClinVar aggregate classification (germline): Pathogenic/Likely pathogenic. Review status: criteria provided, multiple submitters, no conflicts (2 of 4 stars). 6 submissions from 6 submitters: Pathogenic (3); Likely pathogenic (2). 1 of the submissions does not count toward it. Last evaluated 2025-08-29.

Conditions:
Childhood hypophosphatasia. Identifiers: Orphanet 247667, Orphanet 436, MedGen C0220743, MONDO:1010168, OMIM 241510, MONDO:0009428.
Adult hypophosphatasia. Identifiers: Orphanet 247676, Orphanet 436, MedGen C0268413, MONDO:1010154, OMIM 146300, MONDO:0007798.
Hypophosphatasia. Also called: Phosphoethanol-aminuria. Identifiers: Orphanet 436, MedGen C0020630, MeSH D007014, MONDO:0018570.

Allele frequency attached by ClinVar (database versions not stated): gnomAD exomes below 0.00001.
gnomAD v4.1: 1 of 1,613,944 alleles (0.000062%); highest among the groups gnomAD compares: Non-Finnish European, 0.000085%; no homozygotes.

Submissions (6):

Genomenon, Inc
Classification: Pathogenic for Hypophosphatasia. Last evaluated: 2025-08-29. Review status: criteria provided, single submitter. Criteria: Genomenon Sequence Variant Interpretation Standards. Collection method: curation. Allele origin: germline. Affected: yes.
Comment: ALPL Gly426Asp (c.1277G>A) is a missense variant that changes the amino acid at residue 426 from Glycine to Aspartic acid. This variant has been observed in at least one proband affected with hypophosphatasia (PMID:25731960;11855933). At least one functional study has demonstrated a substantial alteration in protein function relative to the wild-type (PMID:28000043). It is absent or not present at a significant frequency in gnomAD. In silico models agree that this variant is possibly or probably damaging. In conclusion, we classify ALPL p.Gly426Asp (c.1277G>A) as a pathogenic variant.

Labcorp Genetics (formerly Invitae), Labcorp
Classification: Pathogenic. Last evaluated: 2025-08-03. Review status: criteria provided, single submitter. Criteria: Invitae Variant Classification Sherloc (09022015). Collection method: clinical testing. Allele origin: germline.
Comment: This sequence change replaces glycine, which is neutral and non-polar, with aspartic acid, which is acidic and polar, at codon 426 of the ALPL protein (p.Gly426Asp). This variant is not present in population databases (gnomAD no frequency). This missense change has been observed in individual(s) with hypophosphatasia (PMID: 11855933; internal data). This variant is also known as p.Gly409Asp. ClinVar contains an entry for this variant (Variation ID: 2676588). Invitae Evidence Modeling of protein sequence and biophysical properties (such as structural, functional, and spatial information, amino acid conservation, physicochemical variation, residue mobility, and thermodynamic stability) indicates that this missense variant is expected to disrupt ALPL protein function with a positive predictive value of 95%. Experimental studies have shown that this missense change affects ALPL function (PMID: 28000043). This variant disrupts the p.Gly426 amino acid residue in ALPL. Other variant(s) that disrupt this residue have been determined to be pathogenic (PMID: 24276437, 28401263, 29236161). This suggests that this residue is clinically significant, and that variants that disrupt this residue are likely to be disease-causing. For these reasons, this variant has been classified as Pathogenic.

GeneDx
Classification: Pathogenic. Last evaluated: 2025-05-20. Review status: criteria provided, single submitter. Criteria: GeneDx Variant Classification Process June 2021. Collection method: clinical testing. Allele origin: germline. Affected: yes.
Comment: Published functional studies demonstrate a damaging effect on enzymatic activity and dimerization (PMID: 28000043); In silico analysis supports that this missense variant has a deleterious effect on protein structure/function; Not observed at significant frequency in large population cohorts (gnomAD); This variant is associated with the following publications: (PMID: 31400546, 28000043, 11855933)

Natera, Inc.
Classification: Likely pathogenic for Hypophosphatasia. Last evaluated: 2024-09-02. Review status: criteria provided, single submitter. Criteria: Natera Variant Classification Schema (03/2026). Collection method: clinical testing. Allele origin: germline.
Comment: The c.1277G>A variant in ALPL is a missense variant predicted to cause substitution of glycine to aspartic acid at amino acid 426. This variant is rare in the general population with a frequency below the threshold expected for the associated phenotype(s). This variant has been observed in affected individual(s) with monoallelic occurrence (heterozygous/hemizygous) (PMID: 32066479). Functional studies show that this variant may disrupt protein function (PMID: 28000043). A different variant at the same position has been determined to be Pathogenic or Likely Pathogenic. Computational prediction algorithms indicate this variant is likely to affect gene or protein function. Given the available evidence, this variant is classified as Likely Pathogenic.

Baylor Genetics
Classification: Likely pathogenic for Adult hypophosphatasia. Last evaluated: 2023-05-25. Review status: criteria provided, single submitter. Criteria: ACMG Guidelines, 2015. Collection method: clinical testing. Allele origin: unknown.

Clinical Genetics, Synlab MVZ Humangenetik Freiburg
Classification: Likely pathogenic for Childhood hypophosphatasia. Last evaluated: 2023-06-22. Review status: no assertion criteria provided. Collection method: clinical testing. Allele origin: germline. Affected: yes. Not counted in ClinVar's aggregate classification.
Comment: The ALPL variant c.1277G>A, p.(Gly426Asp), has previously been described 2x as pathogenic (Mumm et al., 2002, Al-Shawafi et al., 2017, HGMD Professional 2023.1) and is not listed in control databases (dbSNP, gnomAD v2.1.1). In silico analyses uniformly rate the impact of the p.(Gly426Asp) alteration as damaging (MutationTaster: "Deleterious", Polyphen2: "Probably damaging"). It is suggested that p.(Gly426Asp) may interfere with the assembly of the subunit essential for the enzymatic function of TNSALP (tissue non-specific alkaline phosphatase) (Al-Shawafi et al. 2017, HGMD). We rate the ALPL variant c.1277G>A, p.(Gly426Asp), as likely pathogenic.

Literature cited by the submitters: PubMed 25731960 (cited by Genomenon, Inc); PubMed 11855933 (cited by Genomenon, Inc and Labcorp Genetics (formerly Invitae), Labcorp); PubMed 28000043 (cited by 3 submitters); PubMed 24276437 (cited by Labcorp Genetics (formerly Invitae), Labcorp); PubMed 28401263 (cited by Labcorp Genetics (formerly Invitae), Labcorp); PubMed 29236161 (cited by Labcorp Genetics (formerly Invitae), Labcorp); PubMed 32066479 (cited by Natera, Inc.).